The following is an entry in ClinVar:

ClinVar aggregate classification (germline): Uncertain significance. Review status: criteria provided, multiple submitters, no conflicts (2 of 4 stars). 5 submissions from 5 submitters: Uncertain significance (5). Last evaluated 2025-06-29.

Conditions:
Cardiomyopathy (CMYO). Also called: Cardiomyopathies. Identifiers: Orphanet 167848, MedGen C0878544, MONDO:0004994, HP:0001638. Inheritance: Various modes of inheritance.
Catecholaminergic polymorphic ventricular tachycardia (CVPT). Also called: Catecholamine-induced polymorphic ventricular tachycardia. Identifiers: Orphanet 3286, MedGen C5574922, MONDO:0017990.
Cardiovascular phenotype. Identifiers: MedGen CN230736.
Catecholaminergic polymorphic ventricular tachycardia 1. Also called: VENTRICULAR TACHYCARDIA, CATECHOLAMINERGIC POLYMORPHIC, 1, WITH OR WITHOUT ATRIAL DYSFUNCTION AND/OR DILATED CARDIOMYOPATHY; RYR2-Related Catecholaminergic Polymorphic Ventricular Tachycardia; VENTRICULAR TACHYCARDIA, STRESS-INDUCED POLYMORPHIC 1. Identifiers: Orphanet 3286, MedGen C1631597, MONDO:0011484, OMIM 604772.

Allele frequency attached by ClinVar (database versions not stated): TOPMed below 0.00001; gnomAD 0.00001; gnomAD exomes 0.00001.

Submissions (5):

GeneDx
Classification: Uncertain significance. Last evaluated: 2025-06-29. Review status: criteria provided, single submitter. Criteria: GeneDx Variant Classification Process June 2021. Collection method: clinical testing. Allele origin: germline. Affected: yes.
Comment: Not observed at significant frequency in large population cohorts (gnomAD); In silico analysis supports that this missense variant has a deleterious effect on protein structure/function; Has not been previously published as pathogenic or benign to our knowledge; Not located in one of the three hot-spot regions of the RYR2 gene, where the majority of pathogenic missense variants occur (PMID: 19926015); This variant is associated with the following publications: (PMID: 19926015)

Labcorp Genetics (formerly Invitae), Labcorp
Classification: Uncertain significance for Catecholaminergic polymorphic ventricular tachycardia 1. Last evaluated: 2024-10-14. Review status: criteria provided, single submitter. Criteria: Invitae Variant Classification Sherloc (09022015). Collection method: clinical testing. Allele origin: germline.
Comment: This sequence change replaces threonine, which is neutral and polar, with asparagine, which is neutral and polar, at codon 3142 of the RYR2 protein (p.Thr3142Asn). This variant is not present in population databases (gnomAD no frequency). This variant has not been reported in the literature in individuals affected with RYR2-related conditions. ClinVar contains an entry for this variant (Variation ID: 1500595). Invitae Evidence Modeling of protein sequence and biophysical properties (such as structural, functional, and spatial information, amino acid conservation, physicochemical variation, residue mobility, and thermodynamic stability) has been performed for this missense variant. However, the output from this modeling did not meet the statistical confidence thresholds required to predict the impact of this variant on RYR2 protein function. In summary, the available evidence is currently insufficient to determine the role of this variant in disease. Therefore, it has been classified as a Variant of Uncertain Significance.

Color Diagnostics, LLC DBA Color Health
Classification: Uncertain significance for Cardiomyopathy. Last evaluated: 2024-02-12. Review status: criteria provided, single submitter. Criteria: ACMG Guidelines, 2015. Collection method: clinical testing. Allele origin: germline.
Comment: This missense variant replaces threonine with asparagine at codon 3142 of the RYR2 protein. Computational prediction suggests that this variant may not impact protein structure and function (internally defined REVEL score threshold <= 0.5, PMID: 27666373). To our knowledge, functional studies have not been reported for this variant. This variant has not been reported in individuals affected with RYR2-related disorders in the literature. This variant has not been identified in the general population by the Genome Aggregation Database (gnomAD). The available evidence is insufficient to determine the role of this variant in disease conclusively. Therefore, this variant is classified as a Variant of Uncertain Significance.

All of Us Research Program, National Institutes of Health
Classification: Uncertain significance for Catecholaminergic polymorphic ventricular tachycardia. Last evaluated: 2023-06-26. Review status: criteria provided, single submitter. Criteria: ACMG Guidelines, 2015. Collection method: clinical testing. Allele origin: germline. Inheritance: Autosomal dominant inheritance. Observed: 1 variant allele, 1 heterozygote.
Comment: This missense variant replaces threonine with asparagine at codon 3142 of the RYR2 protein. Computational prediction suggests that this variant may not impact protein structure and function (internally defined REVEL score threshold <= 0.5, PMID: 27666373). To our knowledge, functional studies have not been reported for this variant. This variant has not been reported in individuals affected with RYR2-related disorders in the literature. This variant has not been identified in the general population by the Genome Aggregation Database (gnomAD). The available evidence is insufficient to determine the role of this variant in disease conclusively. Therefore, this variant is classified as a Variant of Uncertain Significance.

This study involves interpretation of variants in research participants for the purpose of population health screening. Participant phenotype was not available at the time of variant classification. Additional details can be found in publication PMID: 35346344, PMCID: PMC8962531

Ambry Genetics
Classification: Uncertain significance for Cardiovascular phenotype. Last evaluated: 2023-01-26. Review status: criteria provided, single submitter. Criteria: Ambry Variant Classification Scheme 2023. Collection method: clinical testing. Allele origin: germline.
Comment: The p.T3142N variant (also known as c.9425C>A), located in coding exon 66 of the RYR2 gene, results from a C to A substitution at nucleotide position 9425. The threonine at codon 3142 is replaced by asparagine, an amino acid with similar properties. This amino acid position is highly conserved in available vertebrate species. In addition, the in silico prediction for this alteration is inconclusive. Since supporting evidence is limited at this time, the clinical significance of this alteration remains unclear.

NM_001035.3(RYR2):c.9425C>A (p.Thr3142Asn)

Gene: RYR2 (ryanodine receptor 2; plus strand). Cytogenetic location: 1q43.
Variant type: single nucleotide variant.
Coding change: c.9425C>A on transcript NM_001035.3 (MANE Select); coding-DNA position 9425, C replaced by A.
Protein change: p.Thr3142Asn; replaces threonine 3142 with asparagine.
Molecular consequence: missense variant.
Genome position (GRCh38, 1-based): chr1:237,702,035, C>A. VCF-style: chr1-237702035-C-A. GRCh37 (hg19) VCF-style: chr1-237865335-C-A.
Other names: c.9425C>A (NM_001035.2); short protein forms T3142N.
Identifiers: ClinVar variation 1500595 (VCV001500595.11), dbSNP rs1299273877, ClinGen allele CA345406406.